The following is an entry in ClinVar:

NM_007294.4(BRCA1):c.2563C>T (p.Gln855Ter)

Gene: BRCA1 (BRCA1 DNA repair associated; minus strand). Cytogenetic location: 17q21.31.
Variant type: single nucleotide variant.
Coding change: c.2563C>T on transcript NM_007294.4 (MANE Select); coding-DNA position 2563, C replaced by T.
Protein change: p.Gln855Ter; replaces glutamine 855 with a stop codon.
Molecular consequence: nonsense. On other transcripts: intron variant (137).
Genome position (GRCh38, 1-based): chr17:43,092,968, G>A on the plus strand (C>T on the coding strand, the complement: BRCA1 is on the minus strand). VCF-style: chr17-43092968-G-A. GRCh37 (hg19) VCF-style: chr17-41244985-G-A.
Other names: c.2485C>T, p.Gln829Ter (NM_001407655.1, NM_001407656.1, NM_001407657.1 and 4 more transcripts); c.2482C>T, p.Gln828Ter (NM_001407659.1, NM_001407660.1, NM_001407661.1 and 1 more transcripts); c.2440C>T, p.Gln814Ter (NM_001407664.1, NM_001407665.1, NM_001407666.1 and 19 more transcripts); c.2437C>T, p.Gln813Ter (NM_001407670.1, NM_001407671.1, NM_001407672.1 and 11 more transcripts); c.2563C>T, p.Gln855Ter (NM_001407684.1, NM_001407854.1, NM_001407858.1 and 30 more transcripts); c.2422C>T, p.Gln808Ter (NM_001407692.1, NM_001407694.1, NM_001407695.1 and 29 more transcripts); c.2419C>T, p.Gln807Ter (NM_001407740.1, NM_001407741.1, NM_001407742.1 and 20 more transcripts); c.2350C>T, p.Gln784Ter (NM_001407853.1, NM_001407894.1, NM_001407895.1 and 9 more transcripts); and 41 more; short protein forms Q855*, Q808*, Q743*, Q744*, Q785*, Q787*, Q829*, Q854*.
Identifiers: ClinVar variation 37475 (VCV000037475.29), dbSNP rs80357131, ClinGen allele CA001689.

ClinVar aggregate classification (germline): Pathogenic. Review status: reviewed by expert panel (3 of 4 stars). 13 submissions from 13 submitters: Pathogenic (1). 12 of the submissions do not count toward it. Last evaluated 2016-09-08.

Conditions:
Familial cancer of breast. Also called: Hereditary breast cancer; hereditary breast carcinoma; BREAST CANCER, FAMILIAL. Identifiers: Orphanet 227535, MedGen C0346153, MONDO:0016419, OMIM 114480. Disease mechanism: loss of function.
Breast-ovarian cancer, familial, susceptibility to, 1 (BROVCA1). Also called: OVARIAN CANCER, SUSCEPTIBILITY TO; BRCA1 Hereditary Breast and Ovarian Cancer. Identifiers: Orphanet 145, MedGen C2676676, MONDO:0011450, OMIM 604370. Disease mechanism: loss of function.
Pancreatic cancer, susceptibility to, 4. Identifiers: Orphanet 1333, MedGen C3280442, MONDO:0013685, OMIM 614320.
Fanconi anemia, complementation group S (FANCS). Identifiers: MedGen C4554406, MONDO:0054748, OMIM 617883.
Hereditary cancer-predisposing syndrome. Also called: Tumor predisposition; Neoplastic Syndromes, Hereditary; Hereditary Cancer Syndrome; Hereditary neoplastic syndrome. Identifiers: Orphanet 140162, MedGen C0027672, MeSH D009386, MONDO:0015356.
Hereditary breast ovarian cancer syndrome. Also called: Hereditary breast and ovarian cancer syndrome (HBOC); Hereditary breast and ovarian cancer syndrome; Hereditary breast and ovarian cancer; Hereditary breast and/or ovarian cancer syndrome; Breast and ovarian cancer; BRCA1- and BRCA2-Associated Hereditary Breast and Ovarian Cancer. Identifiers: Orphanet 145, MedGen C0677776, MeSH D061325, MONDO:0003582. Disease mechanism: loss of function.

Allele frequency attached by ClinVar (database versions not stated): gnomAD exomes below 0.00001.
gnomAD v4.1: 1 of 1,613,458 alleles (0.000062%); highest among the groups gnomAD compares: Non-Finnish European, 0.000085%; no homozygotes.

Submissions (13):

Evidence-based Network for the Interpretation of Germline Mutant Alleles (ENIGMA)
Classification: Pathogenic for Breast-ovarian cancer, familial, susceptibility to, 1. Last evaluated: 2016-09-08. Review status: reviewed by expert panel. Criteria: ENIGMA BRCA1/2 Classification Criteria (2015). Collection method: curation. Allele origin: germline.
Comment: Variant allele predicted to encode a truncated non-functional protein.

GeneDx
Classification: Pathogenic. Last evaluated: 2024-03-18. Review status: criteria provided, single submitter. Criteria: GeneDx Variant Classification Process June 2021. Collection method: clinical testing. Allele origin: germline. Affected: yes. Not counted in ClinVar's aggregate classification.
Comment: Nonsense variant predicted to result in protein truncation or nonsense mediated decay in a gene for which loss of function is a known mechanism of disease; Not observed at significant frequency in large population cohorts (gnomAD); Truncating variants in this gene are considered pathogenic by a well-established clinical consortium and/or database; Also known as 2682C>T; This variant is associated with the following publications: (PMID: 16267036, 25525159, 12673801, 34697415, 19329713, 26843898, 12672316, 26295337, 29446198, 31742824, 33758026)

Ambry Genetics
Classification: Pathogenic for Hereditary cancer-predisposing syndrome. Last evaluated: 2022-12-12. Review status: criteria provided, single submitter. Criteria: Ambry Variant Classification Scheme 2023. Collection method: clinical testing. Allele origin: germline. Not counted in ClinVar's aggregate classification.
Comment: The p.Q855* pathogenic mutation (also known as c.2563C>T), located in coding exon 9 of the BRCA1 gene, results from a C to T substitution at nucleotide position 2563. This changes the amino acid from a glutamine to a stop codon within coding exon 9. This alteration has been reported in several BRCA1 mutation-positive families (Perkowska M et al. Hum. Mutat., 2003 May;21:553-4; Rebbeck TR et al. Hum. Mutat., 2018 05;39:593-620). In addition to the clinical data presented in the literature, this alteration is expected to result in loss of function by premature protein truncation or nonsense-mediated mRNA decay. As such, this alteration is interpreted as a disease-causing mutation.

Color Diagnostics, LLC DBA Color Health
Classification: Pathogenic for Hereditary cancer-predisposing syndrome. Last evaluated: 2021-09-15. Review status: criteria provided, single submitter. Criteria: ACMG Guidelines, 2015. Collection method: clinical testing. Allele origin: germline. Not counted in ClinVar's aggregate classification.
Comment: This variant changes 1 nucleotide in exon 10 of the BRCA1 gene, creating a premature translation stop signal. This variant is expected to result in an absent or non-functional protein product. To our knowledge, functional studies have not been reported for this variant. This variant has been detected in at least two individuals affected with breast cancer and in suspected hereditary breast and ovarian cancer families (PMID: 12672316, 12673801, 29446198). This variant has not been identified in the general population by the Genome Aggregation Database (gnomAD). Loss of BRCA1 function is a known mechanism of disease. Based on the available evidence, this variant is classified as Pathogenic.

Labcorp Genetics (formerly Invitae), Labcorp
Classification: Pathogenic for Hereditary breast ovarian cancer syndrome. Last evaluated: 2021-07-17. Review status: criteria provided, single submitter. Criteria: Invitae Variant Classification Sherloc (09022015). Collection method: clinical testing. Allele origin: germline. Not counted in ClinVar's aggregate classification.
Comment: This sequence change creates a premature translational stop signal (p.Gln855*) in the BRCA1 gene. It is expected to result in an absent or disrupted protein product. This variant is not present in population databases (ExAC no frequency). This variant has been reported in the literature in a family affected with breast cancer (PMID: 12673801). This variant is also known as 2682C>T in the literature. ClinVar contains an entry for this variant (Variation ID: 37475). Loss-of-function variants in BRCA1 are known to be pathogenic (PMID: 20104584). For these reasons, this variant has been classified as Pathogenic.

Fulgent Genetics
Classification: Pathogenic for Familial cancer of breast; Breast-ovarian cancer, familial, susceptibility to, 1; Pancreatic cancer, susceptibility to, 4; Fanconi anemia, complementation group S. Last evaluated: 2021-07-14. Review status: criteria provided, single submitter. Criteria: ACMG Guidelines, 2015. Collection method: clinical testing. Allele origin: unknown. Not counted in ClinVar's aggregate classification.

Quest Diagnostics Nichols Institute San Juan Capistrano
Classification: Pathogenic. Last evaluated: 2021-05-23. Review status: criteria provided, single submitter. Criteria: Quest Diagnostics criteria. Collection method: clinical testing. Allele origin: unknown. Not counted in ClinVar's aggregate classification.
Comment: This nonsense variant causes the premature termination of BRCA1 protein synthesis. In addition, it has been reported in individuals with breast or ovarian cancer in the published literature (PMID: 32420470 (2020), 29446198 (2018), and 12673801 (2003)). This variant has not been reported in large, multi-ethnic general populations. Based on the available information, this variant is classified as pathogenic.

Women's Health and Genetics/Laboratory Corporation of America, LabCorp
Classification: Pathogenic for Hereditary breast and ovarian cancer syndrome. Last evaluated: 2017-12-04. Review status: criteria provided, single submitter. Criteria: LabCorp Variant Classification Summary - May 2015. Collection method: clinical testing. Allele origin: germline. Not counted in ClinVar's aggregate classification.
Comment: Variant summary: The BRCA1 c.2563C>T (p.Gln855X) variant results in a premature termination codon, predicted to cause a truncated or absent BRCA1 protein due to nonsense mediated decay, which are commonly known mechanisms for disease. Truncations downstream of this position have been classified as pathogenic by our laboratory (e.g. p.Ser955X, p.Glu1017X, p.Leu1086X etc.). This variant is absent in 245796 control chromosomes (gnomAD). It has been reported in several HBOC patients/families in literature and clinical databases, including two patients who had early onset breast cancer. Several clinical diagnostic laboratories/reputable databases have classified this variant as pathogenic. Taken together, this variant is classified as pathogenic.

Consortium of Investigators of Modifiers of BRCA1/2 (CIMBA), c/o University of Cambridge
Classification: Pathogenic for Breast-ovarian cancer, familial, susceptibility to, 1. Last evaluated: 2015-10-02. Review status: criteria provided, single submitter. Criteria: CIMBA Mutation Classification guidelines May 2016. Collection method: clinical testing. Allele origin: germline. Not counted in ClinVar's aggregate classification.

Molecular Genetics Laboratory, University of Michigan
Classification: Pathogenic for Breast-ovarian cancer, familial, susceptibility to, 1. Last evaluated: 2014-11-03. Review status: criteria provided, single submitter. Criteria: ACMG Guidelines, 2015. Collection method: clinical testing. Allele origin: germline. Affected: yes. Not counted in ClinVar's aggregate classification.

Research Molecular Genetics Laboratory, Women's College Hospital, University of Toronto
Classification: Pathogenic for Hereditary breast ovarian cancer syndrome. Last evaluated: 2014-01-31. Review status: no assertion criteria provided. Collection method: research. Allele origin: germline. Affected: yes. Study: The Canadian Open Genetics Repository (COGR). Not counted in ClinVar's aggregate classification.

Sharing Clinical Reports Project (SCRP)
Classification: Pathogenic for Breast-ovarian cancer, familial 1. Last evaluated: 2012-10-08. Review status: no assertion criteria provided. Collection method: clinical testing. Allele origin: germline. Not counted in ClinVar's aggregate classification.

Breast Cancer Information Core (BIC) (BRCA1)
Classification: Pathogenic for Breast-ovarian cancer, familial 1. Last evaluated: 2002-05-29. Review status: no assertion criteria provided. Collection method: clinical testing. Allele origin: germline. Affected: yes. Observed: 4 variant alleles. Not counted in ClinVar's aggregate classification.

Literature cited by the submitters: PubMed 12673801 (cited by 5 submitters); PubMed 29446198 (cited by 3 submitters); PubMed 12672316 (cited by Color Diagnostics, LLC DBA Color Health and Women's Health and Genetics/Laboratory Corporation of America, LabCorp); PubMed 20104584 (cited by Labcorp Genetics (formerly Invitae), Labcorp); PubMed 32420470 (cited by Quest Diagnostics Nichols Institute San Juan Capistrano); PubMed 16267036 (cited by Women's Health and Genetics/Laboratory Corporation of America, LabCorp).